The following is an entry in ClinVar:

NM_139137.4(KCNC2):c.649G>T (p.Ala217Ser)

Gene: KCNC2 (potassium voltage-gated channel subfamily C member 2; minus strand). Cytogenetic location: 12q21.1.
Variant type: single nucleotide variant.
Coding change: c.649G>T on transcript NM_139137.4 (MANE Select); coding-DNA position 649, G replaced by T.
Protein change: p.Ala217Ser; replaces alanine 217 with serine.
Molecular consequence: missense variant. On other transcripts: non-coding transcript variant (2).
Genome position (GRCh38, 1-based): chr12:75,207,335, C>A on the plus strand (G>T on the coding strand, the complement: KCNC2 is on the minus strand). VCF-style: chr12-75207335-C-A. GRCh37 (hg19) VCF-style: chr12-75601115-C-A.
Other names: c.649G>T, p.Ala217Ser (NM_001260497.2, NM_001260498.2, NM_001260499.2 and 13 more transcripts); short protein forms A217S.
Identifiers: ClinVar variation 5020375 (VCV005020375.1).

ClinVar aggregate classification (germline): Uncertain significance (1 of 4 stars; one submission).

gnomAD v4.1: 1 of 1,570,084 alleles (0.000064%); highest among the groups gnomAD compares: Non-Finnish European, 0.000086%; no homozygotes.

Submission:

Dasa
Classification: Uncertain significance. Last evaluated: 2026-06-15. Review status: criteria provided, single submitter. Criteria: DASA Assertion Criteria. Collection method: clinical testing. Allele origin: germline.
Comment: NM_139137.4(KCNC2):c.649G>T (p.Ala217Ser) is a missense variant that results in the substitution of alanine with serine. This variant is rare in population databases. The currently available literature and clinical evidence are not sufficient to establish a definitive association between this variant and the reported condition. Therefore, this variant is classified as a variant of uncertain significance.